The following is an entry in ClinVar:

ClinVar aggregate classification (germline): Uncertain significance (1 of 4 stars; one submission).

Submission:

Labcorp Genetics (formerly Invitae), Labcorp
Classification: Uncertain significance. Last evaluated: 2022-09-15. Review status: criteria provided, single submitter. Criteria: Invitae Variant Classification Sherloc (09022015). Collection method: clinical testing. Allele origin: germline.
Comment: This variant is not present in population databases (gnomAD no frequency). This variant has not been reported in the literature in individuals affected with PRPF8-related conditions. ClinVar contains an entry for this variant (Variation ID: 1417458). Advanced modeling of protein sequence and biophysical properties (such as structural, functional, and spatial information, amino acid conservation, physicochemical variation, residue mobility, and thermodynamic stability) has been performed at Invitae for this missense variant, however the output from this modeling did not meet the statistical confidence thresholds required to predict the impact of this variant on PRPF8 protein function. In summary, the available evidence is currently insufficient to determine the role of this variant in disease. Therefore, it has been classified as a Variant of Uncertain Significance. This sequence change replaces phenylalanine, which is neutral and non-polar, with serine, which is neutral and polar, at codon 1810 of the PRPF8 protein (p.Phe1810Ser).

NM_006445.4(PRPF8):c.5429T>C (p.Phe1810Ser)

Gene: PRPF8 (pre-mRNA processing factor 8; minus strand). Cytogenetic location: 17p13.3.
Variant type: single nucleotide variant.
Coding change: c.5429T>C on transcript NM_006445.4 (MANE Select); coding-DNA position 5429, T replaced by C.
Protein change: p.Phe1810Ser; replaces phenylalanine 1810 with serine.
Molecular consequence: missense variant.
Genome position (GRCh38, 1-based): chr17:1,658,329, A>G on the plus strand (T>C on the coding strand, the complement: PRPF8 is on the minus strand). VCF-style: chr17-1658329-A-G. GRCh37 (hg19) VCF-style: chr17-1561623-A-G.
Other names: short protein forms F1810S.
Identifiers: ClinVar variation 1417458 (VCV001417458.6), dbSNP rs2151114414, ClinGen allele CA397572109.